The following is an entry in ClinVar:

NM_005876.5(SPEG):c.2251C>T (p.Pro751Ser)

Gene: SPEG (striated muscle enriched protein kinase; plus strand). Cytogenetic location: 2q35.
Variant type: single nucleotide variant.
Coding change: c.2251C>T on transcript NM_005876.5 (MANE Select); coding-DNA position 2251, C replaced by T.
Protein change: p.Pro751Ser; replaces proline 751 with serine.
Molecular consequence: missense variant.
Genome position (GRCh38, 1-based): chr2:219,451,273, C>T. VCF-style: chr2-219451273-C-T. GRCh37 (hg19) VCF-style: chr2-220315995-C-T.
Other names: c.2251C>T (NM_005876.4); short protein forms P751S.
Identifiers: ClinVar variation 1919063 (VCV001919063.6), dbSNP rs376130056, ClinGen allele CA2125777.

ClinVar aggregate classification (germline): Uncertain significance. Review status: criteria provided, multiple submitters, no conflicts (2 of 4 stars). 2 submissions from 2 submitters: Uncertain significance (2). Last evaluated 2025-11-19.

Conditions:
Inborn genetic diseases. Identifiers: MedGen C0950123, MeSH D030342.

Allele frequency attached by ClinVar (database versions not stated): ExAC 0.00001; gnomAD 0.00001; gnomAD exomes 0.00001; TOPMed 0.00001; ESP Exome Variant Server 0.00008.
gnomAD v4.1: 20 of 1,607,502 alleles (0.0012%); highest among the groups gnomAD compares: Non-Finnish European, 0.0017%; no homozygotes.

Submissions (2):

Ambry Genetics
Classification: Uncertain significance for Inborn genetic diseases. Last evaluated: 2025-11-19. Review status: criteria provided, single submitter. Criteria: Ambry Variant Classification Scheme 2023. Collection method: clinical testing. Allele origin: germline.

Labcorp Genetics (formerly Invitae), Labcorp
Classification: Uncertain significance. Last evaluated: 2021-12-27. Review status: criteria provided, single submitter. Criteria: Invitae Variant Classification Sherloc (09022015). Collection method: clinical testing. Allele origin: germline.
Comment: This sequence change replaces proline, which is neutral and non-polar, with serine, which is neutral and polar, at codon 751 of the SPEG protein (p.Pro751Ser). The frequency data for this variant in the population databases is considered unreliable, as metrics indicate poor data quality at this position in the gnomAD database. This variant has not been reported in the literature in individuals affected with SPEG-related conditions. Algorithms developed to predict the effect of missense changes on protein structure and function are either unavailable or do not agree on the potential impact of this missense change (SIFT: "Deleterious"; PolyPhen-2: "Probably Damaging"; Align-GVGD: "Class C0"). In summary, the available evidence is currently insufficient to determine the role of this variant in disease. Therefore, it has been classified as a Variant of Uncertain Significance.